The following is an entry in ClinVar:

ClinVar aggregate classification (germline): Likely benign. Review status: criteria provided, single submitter (1 of 4 stars). 2 submissions from 2 submitters: Likely benign (1). 1 of the submissions does not count toward it. Last evaluated 2024-10-18.

Conditions:
NUP188-related disorder. Also called: NUP188-related condition.

Allele frequency attached by ClinVar (database versions not stated): gnomAD exomes 0.00004; ExAC 0.00018; gnomAD 0.00053; TOPMed 0.00064; ESP Exome Variant Server 0.00069.
gnomAD v4.1: 152 of 1,614,122 alleles (0.0094%); highest among the groups gnomAD compares: African/African-American, 0.16%; 1 homozygote.

Submissions (2):

Blueprint Genetics
Classification: Likely benign. Last evaluated: 2024-10-18. Review status: criteria provided, single submitter. Criteria: ACMG Guidelines, 2015. Collection method: clinical testing. Allele origin: germline.

PreventionGenetics, part of Exact Sciences
Classification: Likely benign for NUP188-related condition. Last evaluated: 2019-02-22. Review status: no assertion criteria provided. Collection method: clinical testing. Allele origin: germline. Not counted in ClinVar's aggregate classification.
Comment: This variant is classified as likely benign based on ACMG/AMP sequence variant interpretation guidelines (Richards et al. 2015 PMID: 25741868, with internal and published modifications).

NM_015354.3(NUP188):c.1567T>C (p.Leu523=)

Gene: NUP188 (nucleoporin 188; plus strand). Cytogenetic location: 9q34.11.
Variant type: single nucleotide variant.
Coding change: c.1567T>C on transcript NM_015354.3 (MANE Select); coding-DNA position 1567, T replaced by C.
Protein change: p.Leu523=; no amino-acid change (leucine 523 retained).
Molecular consequence: synonymous variant.
Genome position (GRCh38, 1-based): chr9:128,982,599, T>C. VCF-style: chr9-128982599-T-C. GRCh37 (hg19) VCF-style: chr9-131744878-T-C.
Identifiers: ClinVar variation 3057487 (VCV003057487.3), dbSNP rs144288673, ClinGen allele CA5272365.
Genomic context (GRCh38, chr9:128,982,599, plus strand): 5'-TCTCTCTCAGGGGGTCAAACCAACCTTCGCATACCTCAAGGCACTGTGGGCCAAGTAATG[T>C]TGGATGATAGGGCATACCTGGTACGCTGGGAATACTCCTATAGCAGCTGGACCCTCTTTA-3'
Protein context (NP_056169.1, residues 513-533): IPQGTVGQVM[Leu523=]DDRAYLVRWE